The following is an entry in ClinVar:

NM_000548.5(TSC2):c.3736del (p.Asp1246fs)

Gene: TSC2 (TSC complex subunit 2; plus strand). Cytogenetic location: 16p13.3.
Variant type: Deletion.
Coding change: c.3736del on transcript NM_000548.5 (MANE Select); coding-DNA position 3736, one base deleted (G; older notation c.3736delG).
Protein change: p.Asp1246fs; shifts the reading frame from aspartic acid 1246.
Molecular consequence: frameshift variant.
Genome position (GRCh38, 1-based): chr16:2,081,720, G deleted; the last of 3 consecutive G bases (chr16:2,081,718-2,081,720); deleting any one gives the same sequence. VCF-style (leftmost placement, unchanged base first): chr16-2081717-CG-C. GRCh37 (hg19) VCF-style: chr16-2131718-CG-C.
Other names: c.3604del, p.Asp1202fs (NM_001077183.3, NM_001370404.1); c.3736del, p.Asp1246fs (NM_001114382.3); c.3496del, p.Asp1166fs (NM_001318827.2); c.3460del, p.Asp1154fs (NM_001318829.2); c.3004del, p.Asp1002fs (NM_001318831.2); c.3637del, p.Asp1213fs (NM_001318832.2); c.3607del, p.Asp1203fs (NM_001363528.2, NM_001370405.1, NM_021055.3); short protein forms D1203fs, D1154fs, D1202fs, D1213fs, D1246fs, D1002fs, D1166fs.
Identifiers: ClinVar variation 207790 (VCV000207790.5), dbSNP rs796053516, ClinGen allele CA319606.
Genomic context (GRCh38, chr16:2,081,717, plus strand): 5'-AACATGCCCCTGCAGGAGCTGTCTAACGCCCTCATGGCGGCTGAGCGCTTCAAGGAGCAC[CG>C]GGACACAGCCCTGTACAAGTCACTGTCGGTGCCGGCAGCCAGCACGGCCAAACCCCCTCC-3'

ClinVar aggregate classification (germline): Pathogenic. Review status: criteria provided, multiple submitters, no conflicts (2 of 4 stars). 2 submissions from 2 submitters: Pathogenic (2). Last evaluated 2022-06-22.

Conditions:
Tuberous sclerosis 2 (TSC2). Identifiers: Orphanet 805, MedGen C1860707, MONDO:0013199, OMIM 613254.

Submissions (2):

Labcorp Genetics (formerly Invitae), Labcorp
Classification: Pathogenic for Tuberous sclerosis 2. Last evaluated: 2022-06-22. Review status: criteria provided, single submitter. Criteria: Invitae Variant Classification Sherloc (09022015). Collection method: clinical testing. Allele origin: germline.
Comment: For these reasons, this variant has been classified as Pathogenic. ClinVar contains an entry for this variant (Variation ID: 207790). This variant has not been reported in the literature in individuals affected with TSC2-related conditions. This variant is not present in population databases (gnomAD no frequency). This sequence change creates a premature translational stop signal (p.Asp1246Thrfs*79) in the TSC2 gene. It is expected to result in an absent or disrupted protein product. Loss-of-function variants in TSC2 are known to be pathogenic (PMID: 10205261, 17304050).

GeneDx
Classification: Pathogenic. Last evaluated: 2015-01-19. Review status: criteria provided, single submitter. Criteria: GeneDx Variant Classification (06012015). Collection method: clinical testing. Allele origin: germline. Affected: yes.
Comment: c.3736delG: p.Asp1246ThrfsX79 (D1246TfsX79) in exon 31 of the TSC2 gene (NM_000548.3) The normal sequence with the base that is deleted in braces is: CACC{G}GGAC. The c.3736delG mutation in the TSC2 gene causes a frameshift starting with codon Aspartic acid 1246, changes this amino acid to a Threonine residue and creates a premature Stop codon at position 79 of the new reading frame, denoted p.Asp1246ThrfsX79. This mutation is predicted to cause loss of normal protein function either through protein truncation or nonsense-mediated mRNA decay. Although this mutation has not been previously reported to our knowledge, other frameshift mutations in the TSC2 gene have been reported in association with tuberous sclerosis complex (TSC) (TSC2 LOVD). The variant is found in TUBSC-EPIV2-1 panel(s).

Literature cited by the submitters: PubMed 10205261 (cited by Labcorp Genetics (formerly Invitae), Labcorp); PubMed 17304050 (cited by Labcorp Genetics (formerly Invitae), Labcorp).